The following is an entry in ClinVar:

ClinVar aggregate classification (germline): Uncertain significance (0 of 4 stars; one submission).

Conditions:
Autism (AUTS). Also called: Autistic disorder of childhood onset; Autistic disorder. Identifiers: MedGen C0004352, MeSH D001321, MONDO:0005260, OMIM 209850, HP:0000717.

Submission:

Centre for Addiction & Mental Health
Classification: Uncertain significance for Autism. Review status: no assertion criteria provided. Collection method: research. Allele origin: de novo. Affected: yes. Observed: 1 heterozygote. Segregation with disease not observed.
Comment: Gene not previously associated with disease; independent supporting evidence needed

NM_001193532.3(RAB42):c.223G>A (p.Glu75Lys)

Gene: RAB42 (RAB42, member RAS oncogene family; plus strand). Cytogenetic location: 1p35.3.
Variant type: single nucleotide variant.
Coding change: c.223G>A on transcript NM_001193532.3 (MANE Select); coding-DNA position 223, G replaced by A.
Protein change: p.Glu75Lys; replaces glutamic acid 75 with lysine.
Molecular consequence: missense variant. On other transcripts: intron variant (1).
Genome position (GRCh38, 1-based): chr1:28,592,734, G>A. VCF-style: chr1-28592734-G-A. GRCh37 (hg19) VCF-style: chr1-28919246-G-A.
Other names: c.223G>A, p.Glu75Lys (NM_001385188.1); c.-107+335G>A (NM_152304.3); short protein forms E75K.
Identifiers: ClinVar variation 3338225 (VCV003338225.2).
Genomic context (GRCh38, chr1:28,592,734, plus strand): 5'-GCGCTGCAGCTGCGGGCCGGGCCGCGGGTCAAGCTGCAACTCTGGGACACCGCGGGCCAC[G>A]AGCGCTTCAGGTGCGGGTAGCCGGGGCGCGGGAGGGACTTCTGGTGGGGGGCTCGGTGAG-3'
Protein context (NP_001180461.1, residues 65-85): KLQLWDTAGH[Glu75Lys]RFRCITRSFY